The following is an entry in ClinVar:

ClinVar aggregate classification (germline): Uncertain significance (1 of 4 stars; one submission).

Allele frequency attached by ClinVar (database versions not stated): gnomAD exomes below 0.00001.
gnomAD v4.1: 1 of 1,613,886 alleles (0.000062%); highest among the groups gnomAD compares: Non-Finnish European, 0.000085%; no homozygotes.

Submission:

Labcorp Genetics (formerly Invitae), Labcorp
Classification: Uncertain significance. Last evaluated: 2024-01-06. Review status: criteria provided, single submitter. Criteria: Invitae Variant Classification Sherloc (09022015). Collection method: clinical testing. Allele origin: germline.
Comment: This sequence change replaces asparagine, which is neutral and polar, with serine, which is neutral and polar, at codon 1296 of the FAT4 protein (p.Asn1296Ser). This variant is not present in population databases (gnomAD no frequency). This variant has not been reported in the literature in individuals affected with FAT4-related conditions. Advanced modeling of protein sequence and biophysical properties (such as structural, functional, and spatial information, amino acid conservation, physicochemical variation, residue mobility, and thermodynamic stability) performed at Invitae indicates that this missense variant is not expected to disrupt FAT4 protein function with a negative predictive value of 80%. In summary, the available evidence is currently insufficient to determine the role of this variant in disease. Therefore, it has been classified as a Variant of Uncertain Significance.

NM_001291303.3(FAT4):c.3887A>G (p.Asn1296Ser)

Gene: FAT4 (FAT atypical cadherin 4; plus strand). Cytogenetic location: 4q28.1.
Variant type: single nucleotide variant.
Coding change: c.3887A>G on transcript NM_001291303.3 (MANE Select); coding-DNA position 3887, A replaced by G.
Protein change: p.Asn1296Ser; replaces asparagine 1296 with serine.
Molecular consequence: missense variant.
Genome position (GRCh38, 1-based): chr4:125,320,298, A>G. VCF-style: chr4-125320298-A-G. GRCh37 (hg19) VCF-style: chr4-126241453-A-G.
Other names: c.3887A>G, p.Asn1296Ser (NM_001291285.3, NM_024582.6); short protein forms N1296S.
Identifiers: ClinVar variation 2992398 (VCV002992398.2), dbSNP rs2530446683, ClinGen allele CA358124947.